The following is an entry in ClinVar:

ClinVar aggregate classification (germline): Uncertain significance (1 of 4 stars; one submission).

Conditions:
POLD1-related polyposis and colorectal cancer syndrome (CRCS10). Also called: Colorectal cancer 10; Colorectal cancer, susceptibility to, 10; COLORECTAL CANCER, SUSCEPTIBILITY TO, ON CHROMOSOME 19q. Identifiers: Orphanet 220460, MedGen C2675481, MONDO:0012953, OMIM 612591.

Submission:

Labcorp Genetics (formerly Invitae), Labcorp
Classification: Uncertain significance for POLD1-related polyposis and colorectal cancer syndrome. Last evaluated: 2023-11-17. Review status: criteria provided, single submitter. Criteria: Invitae Variant Classification Sherloc (09022015). Collection method: clinical testing. Allele origin: germline.
Comment: This sequence change replaces isoleucine, which is neutral and non-polar, with phenylalanine, which is neutral and non-polar, at codon 927 of the POLD1 protein (p.Ile927Phe). This variant is not present in population databases (gnomAD no frequency). This variant has not been reported in the literature in individuals affected with POLD1-related conditions. Advanced modeling of protein sequence and biophysical properties (such as structural, functional, and spatial information, amino acid conservation, physicochemical variation, residue mobility, and thermodynamic stability) performed at Invitae indicates that this missense variant is expected to disrupt POLD1 protein function with a positive predictive value of 80%. In summary, the available evidence is currently insufficient to determine the role of this variant in disease. Therefore, it has been classified as a Variant of Uncertain Significance.

NM_002691.4(POLD1):c.2779A>T (p.Ile927Phe)

Gene: POLD1 (DNA polymerase delta 1, catalytic subunit; plus strand). Cytogenetic location: 19q13.33.
Variant type: single nucleotide variant.
Coding change: c.2779A>T on transcript NM_002691.4 (MANE Select); coding-DNA position 2779, A replaced by T.
Protein change: p.Ile927Phe; replaces isoleucine 927 with phenylalanine.
Molecular consequence: missense variant.
Genome position (GRCh38, 1-based): chr19:50,415,785, A>T. VCF-style: chr19-50415785-A-T. GRCh37 (hg19) VCF-style: chr19-50919042-A-T.
Other names: c.2779A>T, p.Ile927Phe (NM_001256849.1); c.2857A>T, p.Ile953Phe (NM_001308632.1); short protein forms I927F, I953F.
Identifiers: ClinVar variation 2696650 (VCV002696650.3), dbSNP rs768642194, ClinGen allele CA406986001.
Genomic context (GRCh38, chr19:50,415,785, plus strand): 5'-ATGAGGAAGCGGGACCCCGGGAGTGCGCCCAGCCTGGGCGACCGCGTCCCCTACGTGATC[A>T]TCAGTGCCGCCAAGGGTGTGGCCGCCTACATGAAGTCGGAGGTCAGGCCCACCTGGCTGC-3'
Protein context (NP_002682.2, residues 917-937): SLGDRVPYVI[Ile927Phe]SAAKGVAAYM